The following is an entry in ClinVar:

ClinVar aggregate classification (germline): Conflicting classifications of pathogenicity. Review status: criteria provided, conflicting classifications (1 of 4 stars). 9 submissions from 7 submitters: Uncertain significance (6); Likely benign (2). 1 of the submissions does not count toward it. Last evaluated 2023-02-08.

Conditions:
Familial Mediterranean fever (FMF). Also called: POLYSEROSITIS, FAMILIAL PAROXYSMAL; POLYSEROSITIS, RECURRENT; Periodic peritonitis; Benign paroxysmal peritonitis. Identifiers: Orphanet 342, MedGen C0031069, MONDO:0018088, OMIM 249100. Disease mechanism: gain of function.
Acute febrile neutrophilic dermatosis (AFND). Also called: Sweet Syndrome; Gomm Button disease. Identifiers: Orphanet 3243, MedGen C0085077, MONDO:0011959, OMIM 608068.
Familial Mediterranean fever, autosomal dominant. Also called: FMF, AUTOSOMAL DOMINANT; Dominant Familial Mediterranean Fever. Identifiers: Orphanet 342, MedGen C1851347, MONDO:0007601, OMIM 134610.
Autoinflammatory syndrome. Identifiers: Orphanet 93665, MedGen C3890737, MONDO:0019751.

Allele frequency attached by ClinVar (database versions not stated): gnomAD 0.00002 and 0.00005; gnomAD exomes 0.00008 and 0.00006; TOPMed 0.00005; ExAC 0.00008.

Submissions (9):

Genome-Nilou Lab
Classification: Uncertain significance for Familial Mediterranean fever. Last evaluated: 2023-02-08. Review status: criteria provided, single submitter. Criteria: ACMG Guidelines, 2015. Collection method: clinical testing. Allele origin: germline.

Genome-Nilou Lab
Classification: Likely benign for Familial Mediterranean fever, autosomal dominant. Last evaluated: 2023-02-08. Review status: criteria provided, single submitter. Criteria: ACMG Guidelines, 2015. Collection method: clinical testing. Allele origin: germline.

Genome-Nilou Lab
Classification: Likely benign for Acute febrile neutrophilic dermatosis. Last evaluated: 2023-02-08. Review status: criteria provided, single submitter. Criteria: ACMG Guidelines, 2015. Collection method: clinical testing. Allele origin: germline.

Department of Pathology and Laboratory Medicine, Sinai Health System
Classification: Uncertain significance for Familial Mediterranean fever, autosomal dominant; Acute febrile neutrophilic dermatosis; Familial Mediterranean fever. Last evaluated: 2022-11-10. Review status: criteria provided, single submitter. Criteria: ACMG Guidelines, 2015. Collection method: research. Allele origin: germline.

Labcorp Genetics (formerly Invitae), Labcorp
Classification: Uncertain significance for Familial Mediterranean fever. Last evaluated: 2022-07-17. Review status: criteria provided, single submitter. Criteria: Invitae Variant Classification Sherloc (09022015). Collection method: clinical testing. Allele origin: germline.
Comment: This sequence change replaces arginine, which is basic and polar, with glutamine, which is neutral and polar, at codon 354 of the MEFV protein (p.Arg354Gln). This variant is present in population databases (rs763015849, gnomAD 0.04%). This missense change has been observed in individual(s) with familial Mediterranean fever (FMF) (PMID: 24797171, 25974247, 27473114). ClinVar contains an entry for this variant (Variation ID: 495749). Algorithms developed to predict the effect of missense changes on protein structure and function output the following: SIFT: "Tolerated"; PolyPhen-2: "Benign"; Align-GVGD: "Class C0". The glutamine amino acid residue is found in multiple mammalian species, which suggests that this missense change does not adversely affect protein function. Algorithms developed to predict the effect of sequence changes on RNA splicing suggest that this variant may create or strengthen a splice site. In summary, the available evidence is currently insufficient to determine the role of this variant in disease. Therefore, it has been classified as a Variant of Uncertain Significance.

Fulgent Genetics
Classification: Uncertain significance for Familial Mediterranean fever, autosomal dominant; Familial Mediterranean fever; Acute febrile neutrophilic dermatosis. Last evaluated: 2021-11-23. Review status: criteria provided, single submitter. Criteria: ACMG Guidelines, 2015. Collection method: clinical testing. Allele origin: unknown.

Genome Diagnostics Laboratory, The Hospital for Sick Children
Classification: Uncertain significance for Autoinflammatory syndrome. Last evaluated: 2018-01-01. Review status: criteria provided, single submitter. Criteria: ACMG Guidelines, 2015. Collection method: clinical testing. Allele origin: germline. Affected: yes.

Women's Health and Genetics/Laboratory Corporation of America, LabCorp
Classification: Uncertain significance. Last evaluated: 2016-08-19. Review status: criteria provided, single submitter. Criteria: LabCorp Variant Classification Summary - May 2015. Collection method: clinical testing. Allele origin: germline.
Comment: Variant summary: The MEFV c.1061G>A (p.Arg354Gln) variant involves the alteration of a non-conserved nucleotide. 4/4 in silico tools predict a benign outcome for this variant (SNPs&GO not captured due to low reliability index). This variant was found in 10/119332 control chromosomes at a frequency of 0.0000838, predominantly in individuals of South Asian descent (0.000429; 7/16316 chrs tested). These frequencies do not exceed the estimated maximal expected allele frequency of a pathogenic MEFV variant (0.0216506). The variant of interest has not, to our knowledge, been reported in affected individuals via clinical diagnostic laboratories nor was it evaluated for a functional impact by in vivo/vitro studies. Due to the lack of clinical information and absence of functional studies, the variant is classified as a variant of uncertain significance (VUS) until additional information becomes available.

Natera, Inc.
Classification: Uncertain significance for Autosomal dominant familial Mediterranean fever. Last evaluated: 2020-06-17. Review status: no assertion criteria provided. Collection method: clinical testing. Allele origin: germline. Not counted in ClinVar's aggregate classification.

Literature cited by the submitters: PubMed 24797171 (cited by Labcorp Genetics (formerly Invitae), Labcorp); PubMed 25974247 (cited by Labcorp Genetics (formerly Invitae), Labcorp and Women's Health and Genetics/Laboratory Corporation of America, LabCorp); PubMed 27473114 (cited by Labcorp Genetics (formerly Invitae), Labcorp).

NM_000243.3(MEFV):c.1061G>A (p.Arg354Gln)

Gene: MEFV (MEFV innate immunity regulator, pyrin; minus strand). Cytogenetic location: 16p13.3.
Variant type: single nucleotide variant.
Coding change: c.1061G>A on transcript NM_000243.3 (MANE Select); coding-DNA position 1061, G replaced by A.
Protein change: p.Arg354Gln; replaces arginine 354 with glutamine.
Molecular consequence: missense variant.
Genome position (GRCh38, 1-based): chr16:3,249,630, C>T on the plus strand (G>A on the coding strand, the complement: MEFV is on the minus strand). VCF-style: chr16-3249630-C-T. GRCh37 (hg19) VCF-style: chr16-3299630-C-T.
Other names: c.428G>A, p.Arg143Gln (NM_001198536.2); short protein forms R354Q, R143Q.
Identifiers: ClinVar variation 495749 (VCV000495749.10), dbSNP rs763015849, ClinGen allele CA7860243.